The following is an entry in ClinVar:

ClinVar aggregate classification (germline): Uncertain significance (1 of 4 stars; one submission).

gnomAD v4.1: 3 of 955,534 alleles (0.00031%); highest among the groups gnomAD compares: Middle Eastern, 0.054%; no homozygotes.

Submission:

CeGaT Center for Human Genetics Tuebingen
Classification: Uncertain significance. Last evaluated: 2023-10-01. Review status: criteria provided, single submitter. Criteria: CeGaT Center For Human Genetics Tuebingen Variant Classification Criteria Version 2. Collection method: clinical testing. Allele origin: germline. Affected: yes. Observed: 1 variant allele.
Comment: ZSWIM6: PM2

NM_020928.2(ZSWIM6):c.545C>T (p.Ala182Val)

Gene: ZSWIM6 (zinc finger SWIM-type containing 6; plus strand). Cytogenetic location: 5q12.1.
Variant type: single nucleotide variant.
Coding change: c.545C>T on transcript NM_020928.2 (MANE Select); coding-DNA position 545, C replaced by T.
Protein change: p.Ala182Val; replaces alanine 182 with valine.
Molecular consequence: missense variant.
Genome position (GRCh38, 1-based): chr5:61,332,817, C>T. VCF-style: chr5-61332817-C-T. GRCh37 (hg19) VCF-style: chr5-60628644-C-T.
Other names: short protein forms A182V.
Identifiers: ClinVar variation 2655480 (VCV002655480.24), dbSNP rs2478708415, ClinGen allele CA359940931.